The following is an entry in ClinVar:

ClinVar aggregate classification (germline): Uncertain significance (1 of 4 stars; one submission).

Allele frequency attached by ClinVar (database versions not stated): gnomAD exomes below 0.00001.

Submission:

Labcorp Genetics (formerly Invitae), Labcorp
Classification: Uncertain significance. Last evaluated: 2024-02-12. Review status: criteria provided, single submitter. Criteria: Invitae Variant Classification Sherloc (09022015). Collection method: clinical testing. Allele origin: germline.
Comment: This variant, c.72_101del, results in the deletion of 10 amino acid(s) of the DEAF1 protein (p.Val25_Gly34del), but otherwise preserves the integrity of the reading frame. This variant is not present in population databases (gnomAD no frequency). This variant has not been reported in the literature in individuals affected with DEAF1-related conditions. ClinVar contains an entry for this variant (Variation ID: 2122884). Experimental studies and prediction algorithms are not available or were not evaluated, and the functional significance of this variant is currently unknown. In summary, the available evidence is currently insufficient to determine the role of this variant in disease. Therefore, it has been classified as a Variant of Uncertain Significance.

NM_021008.4(DEAF1):c.72_101del (p.Val25_Gly34del)

Gene: DEAF1 (DEAF1 transcription factor; minus strand). Cytogenetic location: 11p15.5.
Variant type: Deletion.
Coding change: c.72_101del on transcript NM_021008.4 (MANE Select); coding-DNA positions 72 to 101, 30 bases deleted (TGTGGCGGCGGCGGCCGCGGCCGCGGCAGG).
Protein change: p.Val25_Gly34del.
Molecular consequence: inframe deletion. On other transcripts: inframe indel (1), intron variant (1).
Genome position (GRCh38, 1-based): chr11:694,947-694,976, CCTGCCGCGGCCGCGGCCGCCGCCGCCACA deleted on the plus strand (TGTGGCGGCGGCGGCCGCGGCCGCGGCAGG on the coding strand, the reverse complement: DEAF1 is on the minus strand). VCF-style (leftmost placement, unchanged base first): chr11-694946-TCCTGCCGCGGCCGCGGCCGCCGCCGCCACA-T. GRCh37 (hg19) VCF-style: chr11-694946-TCCTGCCGCGGCCGCGGCCGCCGCCGCCACA-T.
Other names: c.72_101del30, p.Val25_Gly34del (NM_001293634.2); c.-437-3378_-437-3349del (NM_001367390.1).
Identifiers: ClinVar variation 2122884 (VCV002122884.4), dbSNP rs2494505997, ClinGen allele CA2580083861.